The following is an entry in ClinVar:

NM_001365276.2(TNXB):c.2976A>C (p.Gln992His)

Gene: TNXB (tenascin XB; minus strand). Cytogenetic location: 6p21.33.
Variant type: single nucleotide variant.
Coding change: c.2976A>C on transcript NM_001365276.2 (MANE Select); coding-DNA position 2976, A replaced by C.
Protein change: p.Gln992His; replaces glutamine 992 with histidine.
Molecular consequence: missense variant.
Genome position (GRCh38, 1-based): chr6:32,085,922, T>G on the plus strand (A>C on the coding strand, the complement: TNXB is on the minus strand). VCF-style: chr6-32085922-T-G. GRCh37 (hg19) VCF-style: chr6-32053699-T-G.
Other names: c.3717A>C, p.Gln1239His (NM_001428335.1); c.2976A>C, p.Gln992His (NM_019105.8); short protein forms Q1239H, Q992H.
Identifiers: ClinVar variation 3809358 (VCV003809358.1).

ClinVar aggregate classification (germline): Uncertain significance (1 of 4 stars; one submission).

Conditions:
Cardiovascular phenotype. Identifiers: MedGen CN230736.

gnomAD v4.1: 2 of 1,608,554 alleles (0.00012%); highest among the groups gnomAD compares: East Asian, 0.0045%; no homozygotes.

Submission:

Ambry Genetics
Classification: Uncertain significance for Cardiovascular phenotype. Last evaluated: 2025-02-10. Review status: criteria provided, single submitter. Criteria: Ambry Variant Classification Scheme 2023. Collection method: clinical testing. Allele origin: germline.
Comment: The p.Q992H variant (also known as c.2976A>C), located in coding exon 6 of the TNXB gene, results from an A to C substitution at nucleotide position 2976. The glutamine at codon 992 is replaced by histidine, an amino acid with highly similar properties. This amino acid position is conserved. In addition, this alteration is predicted to be tolerated by in silico analysis. Based on the available evidence, the clinical significance of this variant remains unclear.